The following is an entry in ClinVar:

NM_025136.4(OPA3):c.*5525C>T

Genes: OPA3 (outer mitochondrial membrane lipid metabolism regulator OPA3; minus strand), OPA3-RTN2 (OPA3-RTN2 readthrough; minus strand). Cytogenetic location: 19q13.32.
Variant type: single nucleotide variant.
Coding change: c.*5525C>T on transcript NM_025136.4 (MANE Select); 5525 bases downstream of the stop codon, C replaced by T.
Molecular consequence: 3 prime UTR variant. On other transcripts: intron variant (1).
Genome position (GRCh38, 1-based): chr19:45,547,989, G>A on the plus strand (C>T on the coding strand, the complement: OPA3 is on the minus strand). VCF-style: chr19-45547989-G-A. GRCh37 (hg19) VCF-style: chr19-46051247-G-A.
Other names: c.143-18533C>T (NM_001017989.3).
Identifiers: ClinVar variation 329584 (VCV000329584.6), dbSNP rs117230006, ClinGen allele CA10652564.

ClinVar aggregate classification (germline): Benign. Review status: criteria provided, multiple submitters, no conflicts (2 of 4 stars). 3 submissions from 2 submitters: Benign (3). Last evaluated 2018-01-13.

Conditions:
Optic atrophy 3 (OPA3). Also called: OPTIC ATROPHY 3, AUTOSOMAL DOMINANT; Optic atrophy, cataract, and neurologic disorder; Optic atrophy 3 with cataract. Identifiers: Orphanet 67036, MedGen C1833809, MONDO:0008133, OMIM 165300.
3-Methylglutaconic aciduria type 3 (MGCA3). Also called: OPA3, AUTOSOMAL RECESSIVE; OPTIC ATROPHY 3, AUTOSOMAL RECESSIVE; Costeff Syndrome; OPA3-Related 3-Methylglutaconic Aciduria. Identifiers: Orphanet 67047, MedGen C0574084, MONDO:0009787, OMIM 258501.

Allele frequency attached by ClinVar (database versions not stated): 1000 Genomes Project 30x 0.09275; 1000 Genomes Project 0.09784; TOPMed 0.10881; gnomAD 0.11413 and 0.11420; gnomAD exomes 0.14038.
gnomAD v4.1: 62,096 of 471,972 alleles (13%); highest among the groups gnomAD compares: Middle Eastern, 15%; 4,269 homozygotes.

Submissions (3):

Illumina Laboratory Services, Illumina
Classification: Benign for Optic atrophy 3. Last evaluated: 2018-01-13. Review status: criteria provided, single submitter. Criteria: ICSL Variant Classification Criteria 13 December 2019. Collection method: clinical testing. Allele origin: germline.
Comment: This variant was observed in the ICSL laboratory as part of a predisposition screen in an ostensibly healthy population. It had not been previously curated by ICSL or reported in the Human Gene Mutation Database (HGMD: prior to June 1st, 2018), and was therefore a candidate for classification through an automated scoring system. Utilizing variant allele frequency, disease prevalence and penetrance estimates, and inheritance mode, an automated score was calculated to assess if this variant is too frequent to cause the disease. Based on the score and internal cut-off values, a variant classified as benign is not then subjected to further curation. The score for this variant resulted in a classification of benign for this disease.

Illumina Laboratory Services, Illumina
Classification: Benign for 3-Methylglutaconic aciduria type 3. Last evaluated: 2018-01-13. Review status: criteria provided, single submitter. Criteria: ICSL Variant Classification Criteria 13 December 2019. Collection method: clinical testing. Allele origin: germline.
Comment: the same text as in the submission from Illumina Laboratory Services, Illumina above.

Breakthrough Genomics
Classification: Benign. Review status: criteria provided, single submitter. Criteria: ACMG Guidelines, 2015. Collection method: not provided. Allele origin: germline. Inheritance: Autosomal recessive inheritance. Affected: yes.